The following is an entry in ClinVar:

ClinVar aggregate classification (germline): Likely pathogenic (1 of 4 stars; one submission).

Conditions:
Hypokalemic periodic paralysis, type 1. Also called: HypoPP; Hypokalemic Periodic Paralysis Type 1 (AD). Identifiers: Orphanet 681, MedGen C3714580, MONDO:0042979, OMIM 170400.
Malignant hyperthermia, susceptibility to, 5 (MHS5). Also called: CACNA1S-Related Malignant Hyperthermia Susceptibility. Identifiers: Orphanet 423, MedGen C1866077, MONDO:0011163, OMIM 601887.

Allele frequency attached by ClinVar (database versions not stated): gnomAD exomes below 0.00001.
gnomAD v4.1: 1 of 1,612,772 alleles (0.000062%); highest among the groups gnomAD compares: African/African-American, 0.0013%; no homozygotes.

Submission:

Labcorp Genetics (formerly Invitae), Labcorp
Classification: Likely pathogenic for Hypokalemic periodic paralysis, type 1; Malignant hyperthermia, susceptibility to, 5. Last evaluated: 2021-12-30. Review status: criteria provided, single submitter. Criteria: Invitae Variant Classification Sherloc (09022015). Collection method: clinical testing. Allele origin: germline.
Comment: In summary, the currently available evidence indicates that the variant is pathogenic, but additional data are needed to prove that conclusively. Therefore, this variant has been classified as Likely Pathogenic. Algorithms developed to predict the effect of sequence changes on RNA splicing suggest that this variant may disrupt the consensus splice site. ClinVar contains an entry for this variant (Variation ID: 1066109). This variant has not been reported in the literature in individuals affected with CACNA1S-related conditions. This variant is not present in population databases (gnomAD no frequency). This sequence change affects an acceptor splice site in intron 36 of the CACNA1S gene. It is expected to disrupt RNA splicing. Variants that disrupt the donor or acceptor splice site typically lead to a loss of protein function (PMID: 16199547), and loss-of-function variants in CACNA1S are known to be pathogenic (PMID: 26247046, 28012042).

Literature cited by the submitters: PubMed 16199547; PubMed 26247046; PubMed 28012042.

NM_000069.3(CACNA1S):c.4442-2A>G

Gene: CACNA1S (calcium voltage-gated channel subunit alpha1 S; minus strand). Cytogenetic location: 1q32.1.
Variant type: single nucleotide variant.
Coding change: c.4442-2A>G on transcript NM_000069.3 (MANE Select); the canonical splice acceptor site of the intron before coding-DNA position 4442, A replaced by G.
Molecular consequence: splice acceptor variant.
Genome position (GRCh38, 1-based): chr1:201,047,628, T>C on the plus strand (A>G on the coding strand, the complement: CACNA1S is on the minus strand). VCF-style: chr1-201047628-T-C. GRCh37 (hg19) VCF-style: chr1-201016756-T-C.
Identifiers: ClinVar variation 1066109 (VCV001066109.7), dbSNP rs2102553716, ClinGen allele CA344143650.
Genomic context (GRCh38, chr1:201,047,628, plus strand): 5'-TCTCTTCCAGATCTTCTTGATGATGGCCCTCAGCTCCTCGTTGGCCTGCTCAAAGTTACC[T>C]GGAGCAGGAGAAAGGCAAAAGTTACCCAGATCACACCAACTGCACTTGACAAGGCCACCC-3'